The following is an entry in ClinVar:

ClinVar aggregate classification (germline): Conflicting classifications of pathogenicity. Review status: criteria provided, conflicting classifications (1 of 4 stars). 9 submissions from 9 submitters: Pathogenic (3); Likely pathogenic (5); Uncertain significance (1). Last evaluated 2026-09-01.

Conditions:
Hereditary cancer-predisposing syndrome. Also called: Hereditary neoplastic syndrome; Neoplastic Syndromes, Hereditary; Hereditary Cancer Syndrome; Tumor predisposition. Identifiers: Orphanet 140162, MedGen C0027672, MeSH D009386, MONDO:0015356.
Cardiovascular phenotype. Identifiers: MedGen CN230736.
Neurofibromatosis-Noonan syndrome (NFNS). Also called: NEUROFIBROMATOSIS WITH NOONAN PHENOTYPE. Identifiers: Orphanet 638, MedGen C2931482, MONDO:0011035, OMIM 601321. Disease mechanism: loss of function.
Café-au-lait macules with pulmonary stenosis (WTSN). Also called: PULMONIC STENOSIS WITH CAFE-AU-LAIT SPOTS. Identifiers: MedGen C0553586, MONDO:0008672, OMIM 193520.
Neurofibromatosis, type 1 (NF1). Also called: Peripheral type neurofibromatosis; Neurofibromatosis, type I; NEUROFIBROMATOSIS, TYPE I, SOMATIC; VON RECKLINGHAUSEN DISEASE. Identifiers: Orphanet 636, MedGen C0027831, MONDO:0018975, OMIM 162200. Disease mechanism: loss of function.
Juvenile myelomonocytic leukemia (JMML). Also called: LEUKEMIA, JUVENILE MYELOMONOCYTIC, SOMATIC. Identifiers: Orphanet 86834, MedGen C0349639, MONDO:0011908, OMIM 607785, HP:0012209.
Neurofibromatosis, familial spinal (FSNF). Identifiers: Orphanet 636, MedGen C1834235, MONDO:0008078, OMIM 162210. Disease mechanism: loss of function.

Submissions (9):

CeGaT Center for Human Genetics Tuebingen
Classification: Likely pathogenic. Last evaluated: 2026-09-01. Review status: criteria provided, single submitter. Criteria: CeGaT Center For Human Genetics Tuebingen Variant Classification Criteria Version 2. Collection method: clinical testing. Allele origin: germline. Affected: yes. Observed: 1 variant allele.
Comment: NF1: PM2, PS4:Moderate, PP4, PS1:Supporting

GeneDx
Classification: Likely pathogenic. Last evaluated: 2026-03-30. Review status: criteria provided, single submitter. Criteria: GeneDx Variant Classification Process June 2021. Collection method: clinical testing. Allele origin: germline. Affected: yes.
Comment: Not observed at significant frequency in large population cohorts (gnomAD); In silico analysis is inconclusive as to whether the variant alters gene splicing. In the absence of RNA/functional studies, the actual effect of this sequence change is unknown.; This variant is associated with the following publications: (PMID: 17311297, 31766501, 25525159, 31868168)

Labcorp Genetics (formerly Invitae), Labcorp
Classification: Pathogenic for Neurofibromatosis, type 1. Last evaluated: 2026-01-31. Review status: criteria provided, single submitter. Criteria: Invitae Variant Classification Sherloc (09022015). Collection method: clinical testing. Allele origin: germline.
Comment: This sequence change falls in intron 13 of the NF1 gene. It does not directly change the encoded amino acid sequence of the NF1 protein. It affects a nucleotide within the consensus splice site. This variant is not present in population databases (gnomAD no frequency). This variant has been observed in individual(s) with clinical features of neurofibromatosis type 1 (PMID: 17311297; internal data). Invitae Evidence Modeling of clinical and family history, age, sex, and reported ancestry of multiple individuals with this NF1 variant has been performed. This variant is expected to be pathogenic with a positive predictive value of at least 99%. This is a validated machine learning model that incorporates the clinical features of 1,785,918 individuals referred to our laboratory for NF1 testing. ClinVar contains an entry for this variant (Variation ID: 404566). Variants that disrupt the consensus splice site are a relatively common cause of aberrant splicing (PMID: 17576681, 9536098). Algorithms developed to predict the effect of sequence changes on RNA splicing suggest that this variant may disrupt the consensus splice site. For these reasons, this variant has been classified as Pathogenic.

Ambry Genetics
Classification: Likely pathogenic for Cardiovascular phenotype; Hereditary cancer-predisposing syndrome. Last evaluated: 2025-05-23. Review status: criteria provided, single submitter. Criteria: Ambry Variant Classification Scheme 2023. Collection method: clinical testing. Allele origin: germline.
Comment: The c.1527+5G>A intronic variant results from a G to A substitution 5 nucleotides after coding exon 13 in the NF1 gene. This nucleotide position is highly conserved in available vertebrate species. This variant was detected in multiple individuals with features of or clinical diagnosis of neurofibromatosis type 1 (Melloni G et al. Cancers (Basel), 2019 11;11:; External communications). In silico splice site analysis predicts that this alteration may weaken the native splice donor site; however, direct evidence is insufficient at this time (Ambry internal data). This variant is considered to be rare based on population cohorts in the Genome Aggregation Database (gnomAD). Based on the majority of available evidence to date, this variant is likely to be pathogenic.

Quest Diagnostics Nichols Institute San Juan Capistrano
Classification: Uncertain significance. Last evaluated: 2025-05-07. Review status: criteria provided, single submitter. Criteria: Quest Diagnostics criteria. Collection method: clinical testing. Allele origin: unknown.

NHS Central & South Genomic Laboratory Hub
Classification: Pathogenic for Neurofibromatosis type 1. Last evaluated: 2024-11-11. Review status: criteria provided, single submitter. Criteria: ACMG Guidelines, 2015. Collection method: clinical testing. Allele origin: germline. Affected: yes.

Genome Diagnostics Laboratory, The Hospital for Sick Children
Classification: Likely pathogenic for Neurofibromatosis, type 1. Last evaluated: 2024-08-15. Review status: criteria provided, single submitter. Criteria: ACMG Guidelines, 2015. Collection method: clinical testing. Allele origin: germline. Affected: yes.
Comment: This missense variant is located at the +5 splice site of exon 13. In silico prediction programs predict that this variant may affect splicing. However, this prediction has not been confirmed by RNA functional studies. It has been reported previously in individuals with Neurofibromatosis type 1 (PMIDs: 17311297, 31766501). This variant has not been observed in population controls of the Genome Aggregation Database (gnomAD). Based on the evidence above, this variant is classified as likely pathogenic (ACMG criteria - PS4_Moderate, PM2, PP4, PP3, PP5).

Center for Human Genetics, Inc
Classification: Pathogenic for Neurofibromatosis, type 1. Last evaluated: 2016-11-01. Review status: criteria provided, single submitter. Criteria: ACMG Guidelines, 2015. Collection method: clinical testing. Allele origin: germline. Affected: yes.

Juno Genomics, Hangzhou Juno Genomics, Inc
Classification: Likely pathogenic for Neurofibromatosis, type 1; Juvenile myelomonocytic leukemia; Neurofibromatosis, familial spinal; Neurofibromatosis-Noonan syndrome; Café-au-lait macules with pulmonary stenosis. Review status: criteria provided, single submitter. Criteria: ACMG Guidelines, 2015. Collection method: clinical testing. Allele origin: germline. Affected: yes.
Comment: Absent from controls (or at extremely low frequency if recessive) in Genome Aggregation Database, Exome Sequencing Project, 1000 Genomes Project, or Exome Aggregation Consortium.;Multiple lines of computational evidence support a deleterious effect on the gene or gene product (conservation, evolutionary, splicing impact, etc).;The prevalence of the variant in affected individuals is significantly increased compared to the prevalence in controls.;Patient's phenotype or family history is highly specific for a disease with a single genetic etiology.;Co-segregation with disease in multiple affected family members in a gene definitively known to cause the disease.

Literature cited by the submitters: PubMed 17311297 (cited by Labcorp Genetics (formerly Invitae), Labcorp); PubMed 17576681 (cited by Labcorp Genetics (formerly Invitae), Labcorp); PubMed 9536098 (cited by Labcorp Genetics (formerly Invitae), Labcorp); PubMed 31766501 (cited by Ambry Genetics).

NM_001042492.3(NF1):c.1527+5G>A

Gene: NF1 (neurofibromin 1; plus strand). Cytogenetic location: 17q11.2.
Variant type: single nucleotide variant.
Coding change: c.1527+5G>A on transcript NM_001042492.3 (MANE Select); 5 bases into the intron after coding-DNA position 1527, G replaced by A.
Molecular consequence: intron variant.
Genome position (GRCh38, 1-based): chr17:31,214,590, G>A. VCF-style: chr17-31214590-G-A. GRCh37 (hg19) VCF-style: chr17-29541608-G-A.
Other names: c.1527+5G>A (NM_000267.4, NM_001128147.3).
Identifiers: ClinVar variation 404566 (VCV000404566.24), dbSNP rs1060500352, ClinGen allele CA16615165.